The following is an entry in ClinVar:

NM_001999.4(FBN2):c.4657C>G (p.Arg1553Gly)

Gene: FBN2 (fibrillin 2; minus strand). Cytogenetic location: 5q23.3.
Variant type: single nucleotide variant.
Coding change: c.4657C>G on transcript NM_001999.4 (MANE Select); coding-DNA position 4657, C replaced by G.
Protein change: p.Arg1553Gly; replaces arginine 1553 with glycine.
Molecular consequence: missense variant.
Genome position (GRCh38, 1-based): chr5:128,318,209, G>C on the plus strand (C>G on the coding strand, the complement: FBN2 is on the minus strand). VCF-style: chr5-128318209-G-C. GRCh37 (hg19) VCF-style: chr5-127653901-G-C.
Other names: short protein forms R1553G.
Identifiers: ClinVar variation 1721091 (VCV001721091.6), dbSNP rs370210353, ClinGen allele CA360749653.
Genomic context (GRCh38, chr5:128,318,209, plus strand): 5'-CAACACAACCCACACCAGTTGGGTTCAACTGAAAATCGGGTGGGCAGTTACACTCATAGC[G>C]ACCAGGCGTGTTGACACATAGGCCATTGACACAGTTTATAGGATCTGCACACTCATCAAT-3'
Protein context (NP_001990.2, residues 1543-1563): VNGLCVNTPG[Arg1553Gly]YECNCPPDFQ

ClinVar aggregate classification (germline): Uncertain significance (1 of 4 stars; one submission).

Conditions:
Congenital contractural arachnodactyly (CCA). Also called: BEALS SYNDROME; Arthrogryposis, distal, type 9; Beals-Hecht syndrome. Identifiers: Orphanet 115, MedGen C0220668, MONDO:0007363, OMIM 121050.

Allele frequency attached by ClinVar (database versions not stated): gnomAD exomes below 0.00001.
gnomAD v4.1: 1 of 1,613,744 alleles (0.000062%); highest among the groups gnomAD compares: Non-Finnish European, 0.000085%; no homozygotes.

Submission:

Labcorp Genetics (formerly Invitae), Labcorp
Classification: Uncertain significance for Congenital contractural arachnodactyly. Last evaluated: 2022-10-07. Review status: criteria provided, single submitter. Criteria: Invitae Variant Classification Sherloc (09022015). Collection method: clinical testing. Allele origin: germline.
Comment: This sequence change replaces arginine, which is basic and polar, with glycine, which is neutral and non-polar, at codon 1553 of the FBN2 protein (p.Arg1553Gly). This variant is present in population databases (no rsID available, gnomAD 0.0009%). This variant has not been reported in the literature in individuals affected with FBN2-related conditions. Advanced modeling of protein sequence and biophysical properties (such as structural, functional, and spatial information, amino acid conservation, physicochemical variation, residue mobility, and thermodynamic stability) performed at Invitae indicates that this missense variant is not expected to disrupt FBN2 protein function. In summary, the available evidence is currently insufficient to determine the role of this variant in disease. Therefore, it has been classified as a Variant of Uncertain Significance.